The following is an entry in ClinVar:

ClinVar aggregate classification (germline): Uncertain significance (1 of 4 stars; one submission).

Conditions:
Inborn genetic diseases. Identifiers: MedGen C0950123, MeSH D030342.

Allele frequency attached by ClinVar (database versions not stated): ExAC 0.00001.
gnomAD v4.1: 6 of 1,614,028 alleles (0.00037%); highest among the groups gnomAD compares: South Asian, 0.0022%; no homozygotes.

Submission:

Ambry Genetics
Classification: Uncertain significance for Inborn genetic diseases. Last evaluated: 2024-09-22. Review status: criteria provided, single submitter. Criteria: Ambry Variant Classification Scheme 2023. Collection method: clinical testing. Allele origin: germline.
Comment: The p.R254G variant (also known as c.760C>G), located in coding exon 9 of the ERCC2 gene, results from a C to G substitution at nucleotide position 760. The arginine at codon 254 is replaced by glycine, an amino acid with dissimilar properties. This amino acid position is conserved. In addition, this alteration is predicted to be deleterious by in silico analysis. Since supporting evidence is limited at this time, the clinical significance of this alteration remains unclear.

NM_000400.4(ERCC2):c.760C>G (p.Arg254Gly)

Gene: ERCC2 (ERCC excision repair 2, TFIIH core complex helicase subunit; minus strand). Cytogenetic location: 19q13.32.
Variant type: single nucleotide variant.
Coding change: c.760C>G on transcript NM_000400.4 (MANE Select); coding-DNA position 760, C replaced by G.
Protein change: p.Arg254Gly; replaces arginine 254 with glycine.
Molecular consequence: missense variant.
Genome position (GRCh38, 1-based): chr19:45,364,290, G>C on the plus strand (C>G on the coding strand, the complement: ERCC2 is on the minus strand). VCF-style: chr19-45364290-G-C. GRCh37 (hg19) VCF-style: chr19-45867548-G-C.
Other names: c.688C>G, p.Arg230Gly (NM_001130867.2); short protein forms R254G, R230G.
Identifiers: ClinVar variation 1759782 (VCV001759782.3), dbSNP rs775864354, ClinGen allele CA9513637.